The following is an entry in ClinVar:

ClinVar aggregate classification (germline): Likely benign. Review status: criteria provided, multiple submitters, no conflicts (2 of 4 stars). 2 submissions from 2 submitters: Likely benign (2). Last evaluated 2024-11-05.

gnomAD v4.1: 54 of 1,254,982 alleles (0.0043%); highest among the groups gnomAD compares: Non-Finnish European, 0.0051%; no homozygotes.

Submissions (2):

Blueprint Genetics
Classification: Likely benign. Last evaluated: 2024-11-05. Review status: criteria provided, single submitter. Criteria: ACMG Guidelines, 2015. Collection method: clinical testing. Allele origin: germline.

CeGaT Center for Human Genetics Tuebingen
Classification: Likely benign. Last evaluated: 2024-10-01. Review status: criteria provided, single submitter. Criteria: CeGaT Center For Human Genetics Tuebingen Variant Classification Criteria Version 2. Collection method: clinical testing. Allele origin: germline. Affected: yes. Observed: 1 variant allele.
Comment: GLS: BP4, BP7

NM_014905.5(GLS):c.159A>G (p.Arg53=)

Genes: GLS (glutaminase; plus strand), LOC129935269 (ATAC-STARR-seq lymphoblastoid silent region 12187; plus strand). Cytogenetic location: 2q32.2.
Variant type: single nucleotide variant.
Coding change: c.159A>G on transcript NM_014905.5 (MANE Select); coding-DNA position 159, A replaced by G.
Protein change: p.Arg53=; no amino-acid change (arginine 53 retained).
Molecular consequence: synonymous variant.
Genome position (GRCh38, 1-based): chr2:190,881,243, A>G. VCF-style: chr2-190881243-A-G. GRCh37 (hg19) VCF-style: chr2-191745969-A-G.
Other names: c.159A>G, p.Arg53= (NM_001256310.2).
Identifiers: ClinVar variation 3388912 (VCV003388912.15).